The following is an entry in ClinVar:

ClinVar aggregate classification (germline): Uncertain significance (1 of 4 stars; one submission).

Conditions:
Cystic fibrosis (CF). Also called: MUCOVISCIDOSIS. Identifiers: Orphanet 586, MedGen C0010674, MONDO:0009061, OMIM 219700. Disease mechanism: loss of function.

Submission:

Labcorp Genetics (formerly Invitae), Labcorp
Classification: Uncertain significance for Cystic fibrosis. Last evaluated: 2018-09-02. Review status: criteria provided, single submitter. Criteria: Invitae Variant Classification Sherloc (09022015). Collection method: clinical testing. Allele origin: germline.
Comment: This variant results in a copy number gain of the genomic region encompassing exons22 of the CFTR gene. While the exact position of this variant cannot be determined from this data, sub-genic copy number gains are generally in tandem (PMID: 25640679). This variant would be expected to be in-frame, preserving the integrity of the reading frame. A similar duplication has been observed in an individual affected with cystic fibrosis (PMID:Â¬â€ 20052766). This variant is also known as a duplication of exon 19 in the literature. Experimental studies and prediction algorithms are not available for this variant, and the functional significance of the affected amino acid(s) is currently unknown. In summary, the available evidence is currently insufficient to determine the role of this variant in disease. Therefore, it has been classified as a Variant of Uncertain Significance.

NC_000007.13:g.(?_117267556)_(117267869_?)dup

Genes: CFTR (CF transmembrane conductance regulator; plus strand), CFTR-AS2 (CFTR antisense RNA 2; minus strand). Cytogenetic location: 7q31.2.
Variant type: Duplication.
Identifiers: ClinVar variation 651248 (VCV000651248.1).